The following is an entry in ClinVar:

ClinVar aggregate classification (germline): Uncertain significance (1 of 4 stars; one submission).

gnomAD v4.1: 4 of 1,613,894 alleles (0.00025%); highest among the groups gnomAD compares: Non-Finnish European, 0.00025%; no homozygotes.

Submission:

Labcorp Genetics (formerly Invitae), Labcorp
Classification: Uncertain significance. Last evaluated: 2025-03-25. Review status: criteria provided, single submitter. Criteria: Invitae Variant Classification Sherloc (09022015). Collection method: clinical testing. Allele origin: germline.
Comment: This sequence change replaces threonine, which is neutral and polar, with arginine, which is basic and polar, at codon 94 of the TNFRSF11A protein (p.Thr94Arg). This variant is not present in population databases (gnomAD no frequency). This variant has not been reported in the literature in individuals affected with TNFRSF11A-related conditions. An algorithm developed to predict the effect of missense changes on protein structure and function (PolyPhen-2) suggests that this variant is likely to be tolerated. In summary, the available evidence is currently insufficient to determine the role of this variant in disease. Therefore, it has been classified as a Variant of Uncertain Significance.

NM_003839.4(TNFRSF11A):c.281C>G (p.Thr94Arg)

Gene: TNFRSF11A (TNF receptor superfamily member 11a; plus strand). Cytogenetic location: 18q21.33.
Variant type: single nucleotide variant.
Coding change: c.281C>G on transcript NM_003839.4 (MANE Select); coding-DNA position 281, C replaced by G.
Protein change: p.Thr94Arg; replaces threonine 94 with arginine.
Molecular consequence: missense variant.
Genome position (GRCh38, 1-based): chr18:62,349,935, C>G. VCF-style: chr18-62349935-C-G. GRCh37 (hg19) VCF-style: chr18-60017168-C-G.
Other names: c.281C>G, p.Thr94Arg (NM_001270949.2, NM_001270950.2, NM_001270951.2 and 1 more transcripts); short protein forms T94R.
Identifiers: ClinVar variation 4806047 (VCV004806047.1).